The following is an entry in ClinVar:

NC_000006.11:g.(32024681_32025834)_32029350del

Gene: TNXB (tenascin XB; minus strand). Cytogenetic location: 6p21.33.
Variant type: Deletion.
Identifiers: ClinVar variation 4687519 (VCV004687519.1).

ClinVar aggregate classification (germline): Likely pathogenic (1 of 4 stars; one submission).

Conditions:
Ehlers-Danlos syndrome due to tenascin-X deficiency (EDSCLL1). Also called: EHLERS-DANLOS SYNDROME, CLASSIC-LIKE; TNX DEFICIENCY; EDS DUE TO TNX DEFICIENCY; Ehlers-Danlos syndrome, classic-like, 1; TNXB-Related Classical-Like Ehlers-Danlos Syndrome. Identifiers: Orphanet 230839, MedGen C1848029, MONDO:0011670, OMIM 606408.

Submission:

Women's Health and Genetics/Laboratory Corporation of America, LabCorp
Classification: Likely pathogenic for Ehlers-Danlos syndrome due to tenascin-X deficiency. Last evaluated: 2025-10-07. Review status: criteria provided, single submitter. Criteria: LabCorp Variant Classification Summary - May 2015. Collection method: clinical testing. Allele origin: germline.
Comment: Variant summary: The variant involves the deletion of exons 21-22 in the TNXB gene. A presumed nomenclature of c.7316_(7825+1_7826-1)del has been designated for the purposes of this classification. This Copy Number Variant (CNV) involves a partial deletion of exon 21. This CNV spans a canonical splice-site and therefore predicted to result in loss-of-function. Loss-of-function variants in this gene are known to be pathogenic. The variant was absent in gnomAD, however its frequency in the general population could not be definitively determined as data for this region in gnomAD is considered unreliable, with metrics indicating poor data quality at this position. To our knowledge, no occurrence of c.7316_(7825+1_7826-1)del in individuals affected with TNXB-related conditions and no experimental evidence demonstrating its impact on protein function have been reported. No submitters have cited clinical-significance assessments for this variant to ClinVar. Based on the evidence outlined above, the variant was classified as likely pathogenic.